The following is an entry in ClinVar:

ClinVar aggregate classification (germline): Uncertain significance (1 of 4 stars; one submission).

gnomAD v4.1: 1 of 1,613,690 alleles (0.000062%); highest among the groups gnomAD compares: Non-Finnish European, 0.000085%; no homozygotes.

Submission:

GeneDx
Classification: Uncertain significance. Last evaluated: 2026-04-08. Review status: criteria provided, single submitter. Criteria: GeneDx Variant Classification Process June 2021. Collection method: clinical testing. Allele origin: germline.
Comment: Not observed at significant frequency in large population cohorts (gnomAD); In silico analysis suggests that this missense variant does not alter protein structure/function; Has not been previously published as pathogenic or benign to our knowledge

NM_020987.5(ANK3):c.2209G>A (p.Gly737Ser)

Gene: ANK3 (ankyrin 3; minus strand). Cytogenetic location: 10q21.2.
Variant type: single nucleotide variant.
Coding change: c.2209G>A on transcript NM_020987.5 (MANE Select); coding-DNA position 2209, G replaced by A.
Protein change: p.Gly737Ser; replaces glycine 737 with serine.
Molecular consequence: missense variant.
Genome position (GRCh38, 1-based): chr10:60,173,162, C>T on the plus strand (G>A on the coding strand, the complement: ANK3 is on the minus strand). VCF-style: chr10-60173162-C-T. GRCh37 (hg19) VCF-style: chr10-61932920-C-T.
Other names: c.2191G>A, p.Gly731Ser (NM_001204403.2); c.2158G>A, p.Gly720Ser (NM_001204404.2); c.2209G>A, p.Gly737Ser (NM_001320874.2); short protein forms G720S, G731S, G737S.
Identifiers: ClinVar variation 5017955 (VCV005017955.1).